The following is an entry in ClinVar:

NM_000093.5(COL5A1):c.4713G>C (p.Glu1571Asp)

Genes: COL5A1 (collagen type V alpha 1 chain; plus strand), LOC101448202 (uncharacterized LOC101448202; minus strand). Cytogenetic location: 9q34.3.
Variant type: single nucleotide variant.
Coding change: c.4713G>C on transcript NM_000093.5 (MANE Select); coding-DNA position 4713, G replaced by C.
Protein change: p.Glu1571Asp; replaces glutamic acid 1571 with aspartic acid.
Molecular consequence: missense variant.
Genome position (GRCh38, 1-based): chr9:134,824,614, G>C. VCF-style: chr9-134824614-G-C. GRCh37 (hg19) VCF-style: chr9-137716460-G-C.
Other names: c.4713G>C, p.Glu1571Asp (NM_001278074.1); short protein forms E1571D.
Identifiers: ClinVar variation 3230318 (VCV003230318.1), dbSNP rs2490879928, ClinGen allele CA375458299.

ClinVar aggregate classification (germline): Uncertain significance (1 of 4 stars; one submission).

Conditions:
Familial thoracic aortic aneurysm and aortic dissection (TAAD). Also called: Thoracic aortic aneurysms and dissections. Identifiers: Orphanet 91387, MedGen C4707243, MONDO:0019625.

Submission:

Ambry Genetics
Classification: Uncertain significance for Familial thoracic aortic aneurysm and aortic dissection. Last evaluated: 2023-12-15. Review status: criteria provided, single submitter. Criteria: Ambry Variant Classification Scheme 2023. Collection method: clinical testing. Allele origin: germline.
Comment: The p.E1571D variant (also known as c.4713G>C), located in coding exon 62 of the COL5A1 gene, results from a G to C substitution at nucleotide position 4713. The glutamic acid at codon 1571 is replaced by aspartic acid, an amino acid with highly similar properties. This amino acid position is well conserved in available vertebrate species. In addition, this alteration is predicted to be tolerated by in silico analysis. Since supporting evidence is limited at this time, the clinical significance of this alteration remains unclear.